The following is an entry in ClinVar:

NM_012330.4(KAT6B):c.474C>G (p.Arg158=)

Gene: KAT6B (lysine acetyltransferase 6B; plus strand). Cytogenetic location: 10q22.2.
Variant type: single nucleotide variant.
Coding change: c.474C>G on transcript NM_012330.4 (MANE Select); coding-DNA position 474, C replaced by G.
Protein change: p.Arg158=; no amino-acid change (arginine 158 retained).
Molecular consequence: synonymous variant. On other transcripts: 5 prime UTR variant (2).
Genome position (GRCh38, 1-based): chr10:74,843,331, C>G. VCF-style: chr10-74843331-C-G. GRCh37 (hg19) VCF-style: chr10-76603089-C-G.
Other names: c.474C>G, p.Arg158= (NM_001256468.2, NM_001256469.2, NM_001370132.1 and 10 more transcripts); c.-65C>G (NM_001370134.1, NM_001370135.1).
Identifiers: ClinVar variation 3768413 (VCV003768413.2).

ClinVar aggregate classification (germline): Likely benign. Review status: criteria provided, multiple submitters, no conflicts (2 of 4 stars). 2 submissions from 2 submitters: Likely benign (2). Last evaluated 2025-12-29.

Conditions:
Genitopatellar syndrome (GTPTS). Also called: ABSENT PATELLAE, SCROTAL HYPOPLASIA, RENAL ANOMALIES, FACIAL DYSMORPHISM, AND MENTAL RETARDATION; Genitopatellar syndrome (GPS). Identifiers: Orphanet 85201, MedGen C1853566, MONDO:0011640, OMIM 606170.

gnomAD v4.1: 9 of 1,613,408 alleles (0.00056%); highest among the groups gnomAD compares: Admixed American, 0.015%; no homozygotes.

Submissions (2):

Labcorp Genetics (formerly Invitae), Labcorp
Classification: Likely benign for Genitopatellar syndrome. Last evaluated: 2025-12-29. Review status: criteria provided, single submitter. Criteria: Invitae Variant Classification Sherloc (09022015). Collection method: clinical testing. Allele origin: germline.

Women's Health and Genetics/Laboratory Corporation of America, LabCorp
Classification: Likely benign. Last evaluated: 2024-12-26. Review status: criteria provided, single submitter. Criteria: LabCorp Variant Classification Summary - May 2015. Collection method: clinical testing. Allele origin: germline.
Comment: Variant summary: KAT6B c.474C>G alters a conserved nucleotide resulting in a synonymous change. Consensus agreement among computation tools predict no significant impact on normal splicing. However, these predictions have yet to be confirmed by functional studies. The variant allele was found at a frequency of 1.2e-05 in 249500 control chromosomes. The available data on variant occurrences in the general population are insufficient to allow any conclusion about variant significance. To our knowledge, no occurrence of c.474C>G in individuals affected with KAT6B-Related Spectrum Disorders and no experimental evidence demonstrating its impact on protein function have been reported. No submitters have cited clinical-significance assessments for this variant to ClinVar. Based on the evidence outlined above, the variant was classified as likely benign.